The following is an entry in ClinVar:

ClinVar aggregate classification (germline): Uncertain significance (1 of 4 stars; one submission).

Conditions:
Citrullinemia. Identifiers: Orphanet 187, MedGen C0175683, MONDO:0015991.

Allele frequency attached by ClinVar (database versions not stated): TOPMed below 0.00001.

Submission:

Labcorp Genetics (formerly Invitae), Labcorp
Classification: Uncertain significance for Citrullinemia. Last evaluated: 2024-10-24. Review status: criteria provided, single submitter. Criteria: Invitae Variant Classification Sherloc (09022015). Collection method: clinical testing. Allele origin: germline.
Comment: This sequence change replaces arginine, which is basic and polar, with serine, which is neutral and polar, at codon 398 of the ASS1 protein (p.Arg398Ser). This variant is not present in population databases (gnomAD no frequency). This variant has not been reported in the literature in individuals affected with ASS1-related conditions. ClinVar contains an entry for this variant (Variation ID: 2107309). An algorithm developed to predict the effect of missense changes on protein structure and function (PolyPhen-2) suggests that this variant is likely to be tolerated. In summary, the available evidence is currently insufficient to determine the role of this variant in disease. Therefore, it has been classified as a Variant of Uncertain Significance.

NM_054012.4(ASS1):c.1194G>C (p.Arg398Ser)

Gene: ASS1 (argininosuccinate synthase 1; plus strand). Cytogenetic location: 9q34.11.
Variant type: single nucleotide variant.
Coding change: c.1194G>C on transcript NM_054012.4 (MANE Select); coding-DNA position 1194, G replaced by C.
Protein change: p.Arg398Ser; replaces arginine 398 with serine.
Molecular consequence: missense variant.
Genome position (GRCh38, 1-based): chr9:130,500,976, G>C. VCF-style: chr9-130500976-G-C. GRCh37 (hg19) VCF-style: chr9-133376363-G-C.
Other names: c.1194G>C, p.Arg398Ser (NM_000050.4); short protein forms R398S.
Identifiers: ClinVar variation 2107309 (VCV002107309.3), dbSNP rs1437068422, ClinGen allele CA375232766.
Genomic context (GRCh38, chr9:130,500,976, plus strand): 5'-ACCCAGTGTGTGTTGTTATTGTTAATTTACATTTTTCTTTGTTTTGAATCTGGTTTACAG[G>C]CTGAAGGAATATCATCGTCTCCAGAGCAAGGTCACTGCCAAATAGACCCGTGTACAATGA-3'
Protein context (NP_446464.1, residues 388-408): ATGFININSL[Arg398Ser]LKEYHRLQSK